The following is an entry in ClinVar:

ClinVar aggregate classification (germline): Uncertain significance. Review status: criteria provided, multiple submitters, no conflicts (2 of 4 stars). 2 submissions from 2 submitters: Uncertain significance (2). Last evaluated 2025-04-13.

Conditions:
Inborn genetic diseases. Identifiers: MedGen C0950123, MeSH D030342.

Allele frequency attached by ClinVar (database versions not stated): gnomAD 0.00001; gnomAD exomes below 0.00001; TOPMed 0.00002.
gnomAD v4.1: 4 of 1,547,776 alleles (0.00026%); highest among the groups gnomAD compares: Admixed American, 0.005%; no homozygotes.

Submissions (2):

Labcorp Genetics (formerly Invitae), Labcorp
Classification: Uncertain significance. Last evaluated: 2025-04-13. Review status: criteria provided, single submitter. Criteria: Invitae Variant Classification Sherloc (09022015). Collection method: clinical testing. Allele origin: germline.
Comment: This sequence change replaces leucine, which is neutral and non-polar, with arginine, which is basic and polar, at codon 494 of the ANKRD26 protein (p.Leu494Arg). This variant is present in population databases (no rsID available, gnomAD 0.003%). This variant has not been reported in the literature in individuals affected with ANKRD26-related conditions. ClinVar contains an entry for this variant (Variation ID: 2883016). An algorithm developed to predict the effect of missense changes on protein structure and function outputs the following: PolyPhen-2: "Benign". The arginine amino acid residue is found in multiple mammalian species, which suggests that this missense change does not adversely affect protein function. In summary, the available evidence is currently insufficient to determine the role of this variant in disease. Therefore, it has been classified as a Variant of Uncertain Significance.

Ambry Genetics
Classification: Uncertain significance for Inborn genetic diseases. Last evaluated: 2024-11-26. Review status: criteria provided, single submitter. Criteria: Ambry Variant Classification Scheme 2023. Collection method: clinical testing. Allele origin: germline.
Comment: The p.L494R variant (also known as c.1481T>G), located in coding exon 14 of the ANKRD26 gene, results from a T to G substitution at nucleotide position 1481. The leucine at codon 494 is replaced by arginine, an amino acid with dissimilar properties. This amino acid position is conserved. In addition, this alteration is predicted to be tolerated by in silico analysis. Based on the available evidence, the clinical significance of this variant remains unclear.

NM_014915.3(ANKRD26):c.1481T>G (p.Leu494Arg)

Gene: ANKRD26 (ankyrin repeat domain 26; minus strand). Cytogenetic location: 10p12.1.
Variant type: single nucleotide variant.
Coding change: c.1481T>G on transcript NM_014915.3 (MANE Select); coding-DNA position 1481, T replaced by G.
Protein change: p.Leu494Arg; replaces leucine 494 with arginine.
Molecular consequence: missense variant.
Genome position (GRCh38, 1-based): chr10:27,060,522, A>C on the plus strand (T>G on the coding strand, the complement: ANKRD26 is on the minus strand). VCF-style: chr10-27060522-A-C. GRCh37 (hg19) VCF-style: chr10-27349451-A-C.
Other names: c.1481T>G, p.Leu494Arg (NM_001256053.2); short protein forms L494R.
Identifiers: ClinVar variation 2883016 (VCV002883016.4), dbSNP rs1436338310, ClinGen allele CA376357675.